The following is an entry in ClinVar:

ClinVar aggregate classification (germline): Uncertain significance (1 of 4 stars; one submission).

gnomAD v4.1: 11 of 1,614,048 alleles (0.00068%); highest among the groups gnomAD compares: Non-Finnish European, 0.00085%; no homozygotes.

Submission:

Labcorp Genetics (formerly Invitae), Labcorp
Classification: Uncertain significance. Last evaluated: 2025-09-20. Review status: criteria provided, single submitter. Criteria: Invitae Variant Classification Sherloc (09022015). Collection method: clinical testing. Allele origin: germline.
Comment: This sequence change replaces glycine, which is neutral and non-polar, with cysteine, which is neutral and slightly polar, at codon 318 of the FLVCR2 protein (p.Gly318Cys). This variant also falls at the last nucleotide of exon 3, which is part of the consensus splice site for this exon. This variant is present in population databases (no rsID available, gnomAD 0.0009%). This missense change has been observed in individual(s) with clinical features of FLVCR2-related conditions (PMID: 34486251). An algorithm developed to predict the effect of missense changes on protein structure and function (PolyPhen-2) suggests that this variant is likely to be disruptive. Variants that disrupt the consensus splice site are a relatively common cause of aberrant splicing (PMID: 17576681, 9536098). Algorithms developed to predict the effect of sequence changes on RNA splicing suggest that this variant may disrupt the consensus splice site. In summary, the available evidence is currently insufficient to determine the role of this variant in disease. Therefore, it has been classified as a Variant of Uncertain Significance.

Literature cited by the submitters: PubMed 34486251; PubMed 17576681; PubMed 9536098.

NM_017791.3(FLVCR2):c.952G>T (p.Gly318Cys)

Gene: FLVCR2 (FLVCR choline and putative heme transporter 2; plus strand). Cytogenetic location: 14q24.3.
Variant type: single nucleotide variant.
Coding change: c.952G>T on transcript NM_017791.3 (MANE Select); coding-DNA position 952, G replaced by T.
Protein change: p.Gly318Cys; replaces glycine 318 with cysteine.
Molecular consequence: missense variant.
Genome position (GRCh38, 1-based): chr14:75,624,752, G>T. VCF-style: chr14-75624752-G-T. GRCh37 (hg19) VCF-style: chr14-76091095-G-T.
Other names: c.337G>T, p.Gly113Cys (NM_001195283.2); short protein forms G318C, G113C.
Identifiers: ClinVar variation 4775144 (VCV004775144.1).